The following is an entry in ClinVar:

NM_001854.4(COL11A1):c.828del (p.Glu277fs)

Gene: COL11A1 (collagen type XI alpha 1 chain; minus strand). Cytogenetic location: 1p21.1.
Variant type: Deletion.
Coding change: c.828del on transcript NM_001854.4 (MANE Select); coding-DNA position 828, one base deleted (A; older notation c.828delA).
Protein change: p.Glu277fs; shifts the reading frame from glutamic acid 277.
Molecular consequence: frameshift variant. On other transcripts: non-coding transcript variant (1), intron variant (2).
Genome position (GRCh38, 1-based): chr1:103,026,285, T deleted on the plus strand (A on the coding strand, the reverse complement: COL11A1 is on the minus strand). VCF-style (leftmost placement, unchanged base first): chr1-103026284-CT-C. GRCh37 (hg19) VCF-style: chr1-103491840-CT-C.
Other names: c.828del, p.Glu277fs (NM_080630.4); c.781-672del (NM_001190709.2); c.781-333del (NM_080629.3); short protein forms E277fs.
Identifiers: ClinVar variation 4876249 (VCV004876249.1).

ClinVar aggregate classification (germline): Uncertain significance (1 of 4 stars; one submission).

Conditions:
Stickler syndrome. Identifiers: Orphanet 828, MedGen C0265253, MONDO:0019354.

Submission:

Cambridge Genomics Laboratory, East Genomic Laboratory Hub, NHS Genomic Medicine Service
Classification: Uncertain significance for Stickler syndrome. Last evaluated: 2026-06-24. Review status: criteria provided, single submitter. Criteria: ACGS Best Practice Guidelines for Variant Classification in Rare Disease 2020. Collection method: clinical testing. Allele origin: germline. Affected: yes.
Comment: PM2,PP4